The following is an entry in ClinVar:

NM_031935.3(HMCN1):c.12205G>A (p.Gly4069Ser)

Gene: HMCN1 (hemicentin 1; plus strand). Cytogenetic location: 1q31.1.
Variant type: single nucleotide variant.
Coding change: c.12205G>A on transcript NM_031935.3 (MANE Select); coding-DNA position 12205, G replaced by A.
Protein change: p.Gly4069Ser; replaces glycine 4069 with serine.
Molecular consequence: missense variant.
Genome position (GRCh38, 1-based): chr1:186,120,121, G>A. VCF-style: chr1-186120121-G-A. GRCh37 (hg19) VCF-style: chr1-186089253-G-A.
Other names: c.12205G>A (NM_031935.2); short protein forms G4069S.
Identifiers: ClinVar variation 1949618 (VCV001949618.6), dbSNP rs1373184531, ClinGen allele CA343949311.

ClinVar aggregate classification (germline): Uncertain significance. Review status: criteria provided, multiple submitters, no conflicts (2 of 4 stars). 2 submissions from 2 submitters: Uncertain significance (2). Last evaluated 2025-06-08.

gnomAD v4.1: 3 of 1,613,614 alleles (0.00019%); highest among the groups gnomAD compares: Non-Finnish European, 0.00025%; no homozygotes.

Submissions (2):

Labcorp Genetics (formerly Invitae), Labcorp
Classification: Uncertain significance. Last evaluated: 2025-06-08. Review status: criteria provided, single submitter. Criteria: Invitae Variant Classification Sherloc (09022015). Collection method: clinical testing. Allele origin: germline.
Comment: This sequence change replaces glycine, which is neutral and non-polar, with serine, which is neutral and polar, at codon 4069 of the HMCN1 protein (p.Gly4069Ser). This variant is not present in population databases (gnomAD no frequency). This variant has not been reported in the literature in individuals affected with HMCN1-related conditions. ClinVar contains an entry for this variant (Variation ID: 1949618). An algorithm developed to predict the effect of missense changes on protein structure and function (PolyPhen-2) suggests that this variant is likely to be disruptive. In summary, the available evidence is currently insufficient to determine the role of this variant in disease. Therefore, it has been classified as a Variant of Uncertain Significance.

Ambry Genetics
Classification: Uncertain significance. Last evaluated: 2024-11-23. Review status: criteria provided, single submitter. Criteria: Ambry Variant Classification Scheme 2023. Collection method: clinical testing. Allele origin: germline.